The following is an entry in ClinVar:

NM_003000.3(SDHB):c.806del (p.Met269fs)

Gene: SDHB (succinate dehydrogenase complex iron sulfur subunit B; minus strand). Cytogenetic location: 1p36.13.
Variant type: Deletion.
Coding change: c.806del on transcript NM_003000.3 (MANE Select); coding-DNA position 806, one base deleted (T; older notation c.806delT).
Protein change: p.Met269fs; shifts the reading frame from methionine 269.
Molecular consequence: frameshift variant.
Genome position (GRCh38, 1-based): chr1:17,018,918, A deleted on the plus strand (T on the coding strand, the reverse complement: SDHB is on the minus strand). VCF-style (leftmost placement, unchanged base first): chr1-17018917-CA-C. GRCh37 (hg19) VCF-style: chr1-17345412-CA-C.
Other names: c.752delT, p.Met251Argfs (NM_001407361.1); short protein forms M269fs.
Identifiers: ClinVar variation 1761868 (VCV001761868.2), dbSNP rs2524994962, ClinGen allele CA2580060607.

ClinVar aggregate classification (germline): Likely pathogenic (1 of 4 stars; one submission).

Conditions:
Hereditary cancer-predisposing syndrome. Also called: Neoplastic Syndromes, Hereditary; Tumor predisposition; Hereditary Cancer Syndrome; Hereditary neoplastic syndrome. Identifiers: Orphanet 140162, MedGen C0027672, MeSH D009386, MONDO:0015356.

Submission:

Ambry Genetics
Classification: Likely pathogenic for Hereditary cancer-predisposing syndrome. Last evaluated: 2022-09-12. Review status: criteria provided, single submitter. Criteria: Ambry Variant Classification Scheme 2023. Collection method: clinical testing. Allele origin: germline.
Comment: The c.806delT variant, located in coding exon 8 of the SDHB gene, results from a deletion of one nucleotide at nucleotide position 806, causing a translational frameshift with a predicted alternate stop codon (p.M269Rfs*22). This alteration occurs at the 3' terminus of theSDHB gene, is not expected to trigger nonsense-mediated mRNA decay, and only impacts the last 12 amino acids of the protein. However, premature stop codons are typically deleterious in nature and the impacted region is critical for protein function (Ambry internal data). This alteration has been reported in individuals with early-onset paraganglioma (Gieldon L et al. Cancers (Basel), 2019 Jun;11:; Ambry internal data). This variant is considered to be rare based on population cohorts in the Genome Aggregation Database (gnomAD). Based on the majority of available evidence to date, this variant is likely to be pathogenic.

Literature cited by the submitters: PubMed 31212687; PubMed 35171114.